The following is an entry in ClinVar:

NM_000465.4(BARD1):c.2120C>T (p.Pro707Leu)

Gene: BARD1 (BRCA1 associated RING domain 1; minus strand). Cytogenetic location: 2q35.
Variant type: single nucleotide variant.
Coding change: c.2120C>T on transcript NM_000465.4 (MANE Select); coding-DNA position 2120, C replaced by T.
Protein change: p.Pro707Leu; replaces proline 707 with leucine.
Molecular consequence: missense variant. On other transcripts: non-coding transcript variant (3).
Genome position (GRCh38, 1-based): chr2:214,728,890, G>A on the plus strand (C>T on the coding strand, the complement: BARD1 is on the minus strand). VCF-style: chr2-214728890-G-A. GRCh37 (hg19) VCF-style: chr2-215593614-G-A.
Other names: c.2063C>T, p.Pro688Leu (NM_001282543.2); c.767C>T, p.Pro256Leu (NM_001282545.2); c.710C>T, p.Pro237Leu (NM_001282548.2); c.581C>T, p.Pro194Leu (NM_001282549.2); short protein forms P688L, P237L, P256L, P707L, P194L.
Identifiers: ClinVar variation 820756 (VCV000820756.14), dbSNP rs1574703290, ClinGen allele CA350450568.

ClinVar aggregate classification (germline): Uncertain significance. Review status: criteria provided, multiple submitters, no conflicts (2 of 4 stars). 3 submissions from 3 submitters: Uncertain significance (3). Last evaluated 2025-01-11.

Conditions:
Hereditary cancer-predisposing syndrome. Also called: Neoplastic Syndromes, Hereditary; Tumor predisposition; Hereditary Cancer Syndrome; Hereditary neoplastic syndrome. Identifiers: Orphanet 140162, MedGen C0027672, MeSH D009386, MONDO:0015356.
Familial cancer of breast. Also called: BREAST CANCER, FAMILIAL; Hereditary breast cancer; hereditary breast carcinoma. Identifiers: Orphanet 227535, MedGen C0346153, MONDO:0016419, OMIM 114480. Disease mechanism: loss of function.

Allele frequency attached by ClinVar (database versions not stated): TOPMed 0.00001.

Submissions (3):

Ambry Genetics
Classification: Uncertain significance for Hereditary cancer-predisposing syndrome. Last evaluated: 2025-01-11. Review status: criteria provided, single submitter. Criteria: Ambry Variant Classification Scheme 2023. Collection method: clinical testing. Allele origin: germline.
Comment: The p.P707L variant (also known as c.2120C>T), located in coding exon 11 of the BARD1 gene, results from a C to T substitution at nucleotide position 2120. The proline at codon 707 is replaced by leucine, an amino acid with similar properties. This amino acid position is highly conserved in available vertebrate species. In addition, the in silico prediction for this alteration is inconclusive. Based on the available evidence, the clinical significance of this variant remains unclear.

Labcorp Genetics (formerly Invitae), Labcorp
Classification: Uncertain significance for Familial cancer of breast. Last evaluated: 2024-09-04. Review status: criteria provided, single submitter. Criteria: Invitae Variant Classification Sherloc (09022015). Collection method: clinical testing. Allele origin: germline.
Comment: This sequence change replaces proline, which is neutral and non-polar, with leucine, which is neutral and non-polar, at codon 707 of the BARD1 protein (p.Pro707Leu). This variant is not present in population databases (gnomAD no frequency). This variant has not been reported in the literature in individuals affected with BARD1-related conditions. ClinVar contains an entry for this variant (Variation ID: 820756). An algorithm developed to predict the effect of missense changes on protein structure and function (PolyPhen-2) suggests that this variant is likely to be disruptive. In summary, the available evidence is currently insufficient to determine the role of this variant in disease. Therefore, it has been classified as a Variant of Uncertain Significance.

GeneDx
Classification: Uncertain significance. Last evaluated: 2024-01-12. Review status: criteria provided, single submitter. Criteria: GeneDx Variant Classification Process June 2021. Collection method: clinical testing. Allele origin: germline. Affected: yes.
Comment: Not observed at significant frequency in large population cohorts (gnomAD); In silico analysis supports that this missense variant has a deleterious effect on protein structure/function; Observed in control individual(s) and not in any biliary tract cancer cases (PMID: 36243179); This variant is associated with the following publications: (PMID: 17550235, 36243179)